The following is an entry in ClinVar:

NM_144997.7(FLCN):c.1108A>T (p.Met370Leu)

Gene: FLCN (folliculin; minus strand). Cytogenetic location: 17p11.2.
Variant type: single nucleotide variant.
Coding change: c.1108A>T on transcript NM_144997.7 (MANE Select); coding-DNA position 1108, A replaced by T.
Protein change: p.Met370Leu; replaces methionine 370 with leucine.
Molecular consequence: missense variant.
Genome position (GRCh38, 1-based): chr17:17,217,137, T>A on the plus strand (A>T on the coding strand, the complement: FLCN is on the minus strand). VCF-style: chr17-17217137-T-A. GRCh37 (hg19) VCF-style: chr17-17120451-T-A.
Other names: c.1162A>T, p.Met388Leu (NM_001353229.2); c.1108A>T, p.Met370Leu (NM_001353230.2, NM_001353231.2); short protein forms M388L, M370L.
Identifiers: ClinVar variation 1794202 (VCV001794202.6), dbSNP rs1597586957, ClinGen allele CA398532314.

ClinVar aggregate classification (germline): Uncertain significance. Review status: criteria provided, multiple submitters, no conflicts (2 of 4 stars). 2 submissions from 2 submitters: Uncertain significance (2). Last evaluated 2024-09-30.

Conditions:
Birt-Hogg-Dube syndrome. Also called: Birt Hogg Dubé syndrome. Identifiers: Orphanet 122, MedGen C0346010, MONDO:0800444.
Hereditary cancer-predisposing syndrome. Also called: Neoplastic Syndromes, Hereditary; Tumor predisposition; Hereditary neoplastic syndrome; Hereditary Cancer Syndrome. Identifiers: Orphanet 140162, MedGen C0027672, MeSH D009386, MONDO:0015356.

gnomAD v4.1: 2 of 1,614,014 alleles (0.00012%); highest among the groups gnomAD compares: African/African-American, 0.0013%; no homozygotes.

Submissions (2):

Ambry Genetics
Classification: Uncertain significance for Hereditary cancer-predisposing syndrome. Last evaluated: 2024-09-30. Review status: criteria provided, single submitter. Criteria: Ambry Variant Classification Scheme 2023. Collection method: clinical testing. Allele origin: germline.
Comment: The p.M370L variant (also known as c.1108A>T), located in coding exon 7 of the FLCN gene, results from an A to T substitution at nucleotide position 1108. The methionine at codon 370 is replaced by leucine, an amino acid with highly similar properties. This amino acid position is highly conserved in available vertebrate species. In addition, this alteration is predicted to be deleterious by in silico analysis. Since supporting evidence is limited at this time, the clinical significance of this alteration remains unclear.

Labcorp Genetics (formerly Invitae), Labcorp
Classification: Uncertain significance for Birt-Hogg-Dube syndrome. Last evaluated: 2022-12-10. Review status: criteria provided, single submitter. Criteria: Invitae Variant Classification Sherloc (09022015). Collection method: clinical testing. Allele origin: germline.
Comment: In summary, the available evidence is currently insufficient to determine the role of this variant in disease. Therefore, it has been classified as a Variant of Uncertain Significance. Advanced modeling of protein sequence and biophysical properties (such as structural, functional, and spatial information, amino acid conservation, physicochemical variation, residue mobility, and thermodynamic stability) performed at Invitae indicates that this missense variant is not expected to disrupt FLCN protein function. ClinVar contains an entry for this variant (Variation ID: 1794202). This variant has not been reported in the literature in individuals affected with FLCN-related conditions. This variant is not present in population databases (gnomAD no frequency). This sequence change replaces methionine, which is neutral and non-polar, with leucine, which is neutral and non-polar, at codon 370 of the FLCN protein (p.Met370Leu).